The following is an entry in ClinVar:

NM_004958.4(MTOR):c.4765-5A>T

Genes: MTOR (mechanistic target of rapamycin kinase; minus strand), MTOR-AS1 (MTOR antisense RNA 1; plus strand). Cytogenetic location: 1p36.22.
Variant type: single nucleotide variant.
Coding change: c.4765-5A>T on transcript NM_004958.4 (MANE Select); 5 bases into the intron before coding-DNA position 4765, A replaced by T.
Molecular consequence: intron variant. On other transcripts: non-coding transcript variant (1).
Genome position (GRCh38, 1-based): chr1:11,144,760, T>A on the plus strand (A>T on the coding strand, the complement: MTOR is on the minus strand). VCF-style: chr1-11144760-T-A. GRCh37 (hg19) VCF-style: chr1-11204817-T-A.
Other names: c.3517-5A>T (NM_001386501.1); c.4765-5A>T (NM_001386500.1).
Identifiers: ClinVar variation 2009536 (VCV002009536.10), dbSNP rs1323881530, ClinGen allele CA415908451.

ClinVar aggregate classification (germline): Conflicting classifications of pathogenicity. Review status: criteria provided, conflicting classifications (1 of 4 stars). 2 submissions from 2 submitters: Uncertain significance (1); Benign (1). Last evaluated 2025-11-01.

Submissions (2):

CeGaT Center for Human Genetics Tuebingen
Classification: Uncertain significance. Last evaluated: 2025-11-01. Review status: criteria provided, single submitter. Criteria: CeGaT Center For Human Genetics Tuebingen Variant Classification Criteria Version 2. Collection method: clinical testing. Allele origin: germline. Affected: yes. Observed: 1 variant allele.
Comment: MTOR: PM2, BP4

Labcorp Genetics (formerly Invitae), Labcorp
Classification: Benign. Last evaluated: 2022-11-15. Review status: criteria provided, single submitter. Criteria: Invitae Variant Classification Sherloc (09022015). Collection method: clinical testing. Allele origin: germline.